The following is an entry in ClinVar:

NM_000212.3(ITGB3):c.1540C>G (p.Pro514Ala)

Gene: ITGB3 (integrin subunit beta 3; plus strand). Cytogenetic location: 17q21.32.
Variant type: single nucleotide variant.
Coding change: c.1540C>G on transcript NM_000212.3 (MANE Select); coding-DNA position 1540, C replaced by G.
Protein change: p.Pro514Ala; replaces proline 514 with alanine.
Molecular consequence: missense variant.
Genome position (GRCh38, 1-based): chr17:47,292,418, C>G. VCF-style: chr17-47292418-C-G. GRCh37 (hg19) VCF-style: chr17-45369784-C-G.
Other names: short protein forms P514A.
Identifiers: ClinVar variation 2906667 (VCV002906667.4), dbSNP rs746598315, ClinGen allele CA8623281.

ClinVar aggregate classification (germline): Uncertain significance. Review status: criteria provided, multiple submitters, no conflicts (2 of 4 stars). 2 submissions from 2 submitters: Uncertain significance (2). Last evaluated 2024-11-11.

Conditions:
Inborn genetic diseases. Identifiers: MedGen C0950123, MeSH D030342.

Allele frequency attached by ClinVar (database versions not stated): ExAC 0.00001; gnomAD 0.00001.
gnomAD v4.1: 1 of 1,611,556 alleles (0.000062%); highest among the groups gnomAD compares: African/African-American, 0.0013%; no homozygotes.

Submissions (2):

Labcorp Genetics (formerly Invitae), Labcorp
Classification: Uncertain significance. Last evaluated: 2024-11-11. Review status: criteria provided, single submitter. Criteria: Invitae Variant Classification Sherloc (09022015). Collection method: clinical testing. Allele origin: germline.
Comment: This sequence change replaces proline, which is neutral and non-polar, with alanine, which is neutral and non-polar, at codon 514 of the ITGB3 protein (p.Pro514Ala). This variant is present in population databases (rs746598315, gnomAD 0.008%). This variant has not been reported in the literature in individuals affected with ITGB3-related conditions. ClinVar contains an entry for this variant (Variation ID: 2906667). Invitae Evidence Modeling of protein sequence and biophysical properties (such as structural, functional, and spatial information, amino acid conservation, physicochemical variation, residue mobility, and thermodynamic stability) indicates that this missense variant is not expected to disrupt ITGB3 protein function with a negative predictive value of 80%. In summary, the available evidence is currently insufficient to determine the role of this variant in disease. Therefore, it has been classified as a Variant of Uncertain Significance.

Ambry Genetics
Classification: Uncertain significance for Inborn genetic diseases. Last evaluated: 2023-12-26. Review status: criteria provided, single submitter. Criteria: Ambry Variant Classification Scheme 2023. Collection method: clinical testing. Allele origin: germline.